The following is an entry in ClinVar:

ClinVar aggregate classification (germline): Uncertain significance (1 of 4 stars; one submission).

Allele frequency attached by ClinVar (database versions not stated): gnomAD 0.00001; gnomAD exomes 0.00001; TOPMed 0.00002.

Submission:

Labcorp Genetics (formerly Invitae), Labcorp
Classification: Uncertain significance. Last evaluated: 2021-07-01. Review status: criteria provided, single submitter. Criteria: Invitae Variant Classification Sherloc (09022015). Collection method: clinical testing. Allele origin: germline.
Comment: In summary, the available evidence is currently insufficient to determine the role of this variant in disease. Therefore, it has been classified as a Variant of Uncertain Significance. Algorithms developed to predict the effect of missense changes on protein structure and function output the following: SIFT: "Tolerated"; PolyPhen-2: "Benign"; Align-GVGD: "Class C0". The glycine amino acid residue is found in multiple mammalian species, suggesting that this missense change does not adversely affect protein function. These predictions have not been confirmed by published functional studies and their clinical significance is uncertain. This variant has not been reported in the literature in individuals with GPR179-related conditions. This variant is not present in population databases (ExAC no frequency). This sequence change replaces serine with glycine at codon 1766 of the GPR179 protein (p.Ser1766Gly). The serine residue is weakly conserved and there is a small physicochemical difference between serine and glycine.

NM_001004334.4(GPR179):c.5296A>G (p.Ser1766Gly)

Gene: GPR179 (G protein-coupled receptor 179; minus strand). Cytogenetic location: 17q12.
Variant type: single nucleotide variant.
Coding change: c.5296A>G on transcript NM_001004334.4 (MANE Select); coding-DNA position 5296, A replaced by G.
Protein change: p.Ser1766Gly; replaces serine 1766 with glycine.
Molecular consequence: missense variant.
Genome position (GRCh38, 1-based): chr17:38,328,273, T>C on the plus strand (A>G on the coding strand, the complement: GPR179 is on the minus strand). VCF-style: chr17-38328273-T-C. GRCh37 (hg19) VCF-style: chr17-36484156-T-C.
Other names: short protein forms S1766G.
Identifiers: ClinVar variation 1472552 (VCV001472552.8), dbSNP rs1015151013, ClinGen allele CA290103652.